The following is an entry in ClinVar:

NM_003954.5(MAP3K14):c.974G>A (p.Arg325His)

Gene: MAP3K14 (mitogen-activated protein kinase kinase kinase 14; minus strand). Cytogenetic location: 17q21.31.
Variant type: single nucleotide variant.
Coding change: c.974G>A on transcript NM_003954.5 (MANE Select); coding-DNA position 974, G replaced by A.
Protein change: p.Arg325His; replaces arginine 325 with histidine.
Molecular consequence: missense variant.
Genome position (GRCh38, 1-based): chr17:45,286,609, C>T on the plus strand (G>A on the coding strand, the complement: MAP3K14 is on the minus strand). VCF-style: chr17-45286609-C-T. GRCh37 (hg19) VCF-style: chr17-43363976-C-T.
Other names: short protein forms R325H.
Identifiers: ClinVar variation 838444 (VCV000838444.9), dbSNP rs754044184, ClinGen allele CA8614237.
Genomic context (GRCh38, chr17:45,286,609, plus strand): 5'-ACGCTGCCTTGCAGAGCATGCACTAGGTATTCCTCCACAGAAAACTTCTCATGGGCACCA[C>T]GAGACAGGCAGCTGGGCTCCAGGTGTGGGCCAGGCAGGGGCTTTGGACTGTCTACACAGG-3'
Protein context (NP_003945.2, residues 315-335): GPHLEPSCLS[Arg325His]GAHEKFSVEE

ClinVar aggregate classification (germline): Uncertain significance (1 of 4 stars; one submission).

Conditions:
NIK deficiency. Also called: Primary immunodeficiency with multifaceted aberrant lymphoid immunity. Identifiers: Orphanet 447731, MedGen C5680065, MONDO:0018642.

Allele frequency attached by ClinVar (database versions not stated): gnomAD 0.00001; TOPMed 0.00003.
gnomAD v4.1: 18 of 1,611,230 alleles (0.0011%); highest among the groups gnomAD compares: African/African-American, 0.008%; no homozygotes.

Submission:

Labcorp Genetics (formerly Invitae), Labcorp
Classification: Uncertain significance for NIK deficiency. Last evaluated: 2022-05-02. Review status: criteria provided, single submitter. Criteria: Invitae Variant Classification Sherloc (09022015). Collection method: clinical testing. Allele origin: germline.
Comment: In summary, the available evidence is currently insufficient to determine the role of this variant in disease. Therefore, it has been classified as a Variant of Uncertain Significance. ClinVar contains an entry for this variant (Variation ID: 838444). This variant has not been reported in the literature in individuals affected with MAP3K14-related conditions. This variant is present in population databases (rs754044184, gnomAD 0.007%). This sequence change replaces arginine, which is basic and polar, with histidine, which is basic and polar, at codon 325 of the MAP3K14 protein (p.Arg325His).